The following is an entry in ClinVar:

ClinVar aggregate classification (germline): Uncertain significance (1 of 4 stars; one submission).

Conditions:
Inborn genetic diseases. Identifiers: MedGen C0950123, MeSH D030342.

gnomAD v4.1: 1 of 1,614,194 alleles (0.000062%); highest among the groups gnomAD compares: Admixed American, 0.0017%; no homozygotes.

Submission:

Ambry Genetics
Classification: Uncertain significance for Inborn genetic diseases. Last evaluated: 2025-04-03. Review status: criteria provided, single submitter. Criteria: Ambry Variant Classification Scheme 2023. Collection method: clinical testing. Allele origin: germline.
Comment: The p.C314G variant (also known as c.940T>G), located in coding exon 8 of the FANCG gene, results from a T to G substitution at nucleotide position 940. The cysteine at codon 314 is replaced by glycine, an amino acid with highly dissimilar properties. This amino acid position is conserved. In addition, this alteration is predicted to be tolerated by in silico analysis. Based on the available evidence, the clinical significance of this variant remains unclear.

NM_004629.2(FANCG):c.940T>G (p.Cys314Gly)

Gene: FANCG (FA complementation group G; minus strand). Cytogenetic location: 9p13.3.
Variant type: single nucleotide variant.
Coding change: c.940T>G on transcript NM_004629.2 (MANE Select); coding-DNA position 940, T replaced by G.
Protein change: p.Cys314Gly; replaces cysteine 314 with glycine.
Molecular consequence: missense variant.
Genome position (GRCh38, 1-based): chr9:35,076,568, A>C on the plus strand (T>G on the coding strand, the complement: FANCG is on the minus strand). VCF-style: chr9-35076568-A-C. GRCh37 (hg19) VCF-style: chr9-35076565-A-C.
Other names: short protein forms C314G.
Identifiers: ClinVar variation 4022473 (VCV004022473.1).